The following is an entry in ClinVar:

NM_000268.4(NF2):c.94G>T (p.Glu32Ter)

Gene: NF2 (NF2, moesin-ezrin-radixin like (MERLIN) tumor suppressor; plus strand). Cytogenetic location: 22q12.2.
Variant type: single nucleotide variant.
Coding change: c.94G>T on transcript NM_000268.4 (MANE Select); coding-DNA position 94, G replaced by T.
Protein change: p.Glu32Ter; replaces glutamic acid 32 with a stop codon.
Molecular consequence: nonsense. On other transcripts: non-coding transcript variant (1), 5 prime UTR variant (4).
Genome position (GRCh38, 1-based): chr22:29,604,092, G>T. VCF-style: chr22-29604092-G-T. GRCh37 (hg19) VCF-style: chr22-30000081-G-T.
Other names: c.94G>T, p.Glu32Ter (NM_181830.3, NM_181831.3, NM_181832.3 and 15 more transcripts); c.-137G>T (NM_001407053.1, NM_001407056.1); c.-547G>T (NM_001407065.1); c.-163G>T (NM_001407067.1); short protein forms E32*.
Identifiers: ClinVar variation 3299428 (VCV003299428.2).

ClinVar aggregate classification (germline): Likely pathogenic (1 of 4 stars; one submission).
ClinVar aggregate classification (oncogenicity): Likely oncogenic (1 of 4 stars; one submission).

Conditions:
Hereditary cancer-predisposing syndrome. Also called: Tumor predisposition; Hereditary Cancer Syndrome; Hereditary neoplastic syndrome; Neoplastic Syndromes, Hereditary. Identifiers: Orphanet 140162, MedGen C0027672, MeSH D009386, MONDO:0015356.
Neoplasm. Also called: tumor; Neoplasms; Neoplasm (disease). Identifiers: MedGen C0027651, MeSH D009369, MONDO:0005070, HP:0002664.

Submissions (2):

Center for Genomic Medicine, Rigshospitalet, Copenhagen University Hospital
Classification: Likely oncogenic for Neoplasm. Last evaluated: 2026-10-16. Review status: criteria provided, single submitter. Criteria: ClinGen/CGC/VICC Guidelines for Oncogenicity, 2022. Collection method: clinical testing. Allele origin: somatic. Affected: yes.

Ambry Genetics
Classification: Likely pathogenic for Hereditary cancer-predisposing syndrome. Last evaluated: 2024-05-09. Review status: criteria provided, single submitter. Criteria: Ambry Variant Classification Scheme 2023. Collection method: clinical testing. Allele origin: germline.
Comment: The p.E32* variant (also known as c.94G>T), located in coding exon 1 of the NF2 gene, results from a G to T substitution at nucleotide position 94. This changes the amino acid from a glutamic acid to a stop codon within coding exon 1. The predicted stop codon occurs in the 5&rsquo; end of theNF2 gene. Premature termination codons in the 5&rsquo; end of a gene have been reported to escape nonsense-mediated mRNAdecay and/or lead to re-initiation (Rivas et al. Science. 2015 May 8;348(6235):666-9; Lindeboom et al. Nat Genet. 2016 Oct;48(10):1112-8; Rhee et al. Sci Rep. 2017 May 10;7(1):1653). Direct evidence for this alteration is unavailable, however premature termination codons are typically deleterious in nature. This variant has been observed in at least one individual with a personal and/or family history that is consistent with NF2-related schwannomatosis (Ambry internal data). This variant is considered to be rare based on population cohorts in the Genome Aggregation Database (gnomAD). Based on the majority of available evidence to date, this variant is likely to be pathogenic.